The following is an entry in ClinVar:

NM_015512.5(DNAH1):c.7423G>A (p.Val2475Met)

Gene: DNAH1 (dynein axonemal heavy chain 1; plus strand). Cytogenetic location: 3p21.1.
Variant type: single nucleotide variant.
Coding change: c.7423G>A on transcript NM_015512.5 (MANE Select); coding-DNA position 7423, G replaced by A.
Protein change: p.Val2475Met; replaces valine 2475 with methionine.
Molecular consequence: missense variant.
Genome position (GRCh38, 1-based): chr3:52,379,950, G>A. VCF-style: chr3-52379950-G-A. GRCh37 (hg19) VCF-style: chr3-52413966-G-A.
Other names: c.7423G>A (NM_015512.4); short protein forms V2475M.
Identifiers: ClinVar variation 1898998 (VCV001898998.6), dbSNP rs370585761, ClinGen allele CA74767852.

ClinVar aggregate classification (germline): Uncertain significance. Review status: criteria provided, multiple submitters, no conflicts (2 of 4 stars). 2 submissions from 2 submitters: Uncertain significance (2). Last evaluated 2024-08-01.

Conditions:
Spermatogenic failure 18. Identifiers: MedGen C4539783, MONDO:0054615, OMIM 617576.
Ciliary dyskinesia, primary, 37 (CILD37). Also called: CILIARY DYSKINESIA, PRIMARY, 37, WITH OR WITHOUT SITUS INVERSUS. Identifiers: MedGen C4539798, MONDO:0033204, OMIM 617577.

Allele frequency attached by ClinVar (database versions not stated): TOPMed 0.00002; gnomAD 0.00003; gnomAD exomes 0.00003; ESP Exome Variant Server 0.00008.
gnomAD v4.1: 50 of 1,580,298 alleles (0.0032%); highest among the groups gnomAD compares: African/African-American, 0.0068%; no homozygotes.

Submissions (2):

Ambry Genetics
Classification: Uncertain significance. Last evaluated: 2024-08-01. Review status: criteria provided, single submitter. Criteria: Ambry Variant Classification Scheme 2023. Collection method: clinical testing. Allele origin: germline.

Labcorp Genetics (formerly Invitae), Labcorp
Classification: Uncertain significance for Ciliary dyskinesia, primary, 37; Spermatogenic failure 18. Last evaluated: 2022-07-24. Review status: criteria provided, single submitter. Criteria: Invitae Variant Classification Sherloc (09022015). Collection method: clinical testing. Allele origin: germline.
Comment: This variant is present in population databases (rs370585761, gnomAD 0.01%). In summary, the available evidence is currently insufficient to determine the role of this variant in disease. Therefore, it has been classified as a Variant of Uncertain Significance. Algorithms developed to predict the effect of missense changes on protein structure and function are either unavailable or do not agree on the potential impact of this missense change (SIFT: "Deleterious"; PolyPhen-2: "Probably Damaging"; Align-GVGD: "Class C0"). This variant has not been reported in the literature in individuals affected with DNAH1-related conditions. This sequence change replaces valine, which is neutral and non-polar, with methionine, which is neutral and non-polar, at codon 2475 of the DNAH1 protein (p.Val2475Met).